The following is an entry in ClinVar:

ClinVar aggregate classification (germline): Uncertain significance (1 of 4 stars; one submission).

Conditions:
PUM1-related disorder. Also called: PUM1-related condition; PUM1-related disorders.

Submission:

PreventionGenetics, part of Exact Sciences
Classification: Uncertain significance for PUM1-related condition. Last evaluated: 2026-06-29. Review status: criteria provided, single submitter. Criteria: ACMG Guidelines, 2015. Collection method: clinical testing. Allele origin: germline.
Comment: The PUM1 c.856A>G variant is predicted to result in the amino acid substitution p.Asn286Asp. To our knowledge, this variant has not been reported in the literature or in a large population database (gnomAD), indicating this variant is rare. At this time, the clinical significance of this variant is uncertain due to the absence of conclusive functional and genetic evidence.

NM_001020658.2(PUM1):c.856A>G (p.Asn286Asp)

Gene: PUM1 (pumilio RNA binding family member 1; minus strand). Cytogenetic location: 1p35.2.
Variant type: single nucleotide variant.
Coding change: c.856A>G on transcript NM_001020658.2 (MANE Select); coding-DNA position 856, A replaced by G.
Protein change: p.Asn286Asp; replaces asparagine 286 with aspartic acid.
Molecular consequence: missense variant.
Genome position (GRCh38, 1-based): chr1:30,995,085, T>C on the plus strand (A>G on the coding strand, the complement: PUM1 is on the minus strand). VCF-style: chr1-30995085-T-C. GRCh37 (hg19) VCF-style: chr1-31467932-T-C.
Other names: c.856A>G, p.Asn286Asp (NM_014676.3); short protein forms N286D.
Identifiers: ClinVar variation 4994808 (VCV004994808.1).